The following is an entry in ClinVar:

NM_138477.4(CDAN1):c.3184dup (p.Gln1062fs)

Gene: CDAN1 (codanin 1; minus strand). Cytogenetic location: 15q15.2.
Variant type: Duplication.
Coding change: c.3184dup on transcript NM_138477.4 (MANE Select); coding-DNA position 3184, one base duplicated (C; older notation c.3184dupC).
Protein change: p.Gln1062fs; shifts the reading frame from glutamine 1062.
Molecular consequence: frameshift variant.
Genome position (GRCh38, 1-based): chr15:42,726,330, G duplicated on the plus strand (C on the coding strand, the reverse complement: CDAN1 is on the minus strand); the first of 2 consecutive G bases (chr15:42,726,330-42,726,331); duplicating either gives the same sequence. VCF-style (leftmost placement, unchanged base first): chr15-42726329-T-TG. GRCh37 (hg19) VCF-style: chr15-43018527-T-TG.
Other names: short protein forms Q1062fs.
Identifiers: ClinVar variation 3346804 (VCV003346804.1).

ClinVar aggregate classification (germline): Likely pathogenic (0 of 4 stars; one submission).

Conditions:
CDAN1-related disorder. Also called: CDAN1-related condition.

Submission:

PreventionGenetics, part of Exact Sciences
Classification: Likely pathogenic for CDAN1-related condition. Last evaluated: 2024-06-04. Review status: no assertion criteria provided. Collection method: clinical testing. Allele origin: germline.
Comment: The CDAN1 c.3184dupC variant is predicted to result in a frameshift and premature protein termination (p.Gln1062Profs*14). To our knowledge, this variant has not been reported in the literature or in a large population database, indicating this variant is rare. Frameshift variants in CDAN1 are expected to be pathogenic. This variant is interpreted as likely pathogenic.